The following is an entry in ClinVar:

NM_004793.4(LONP1):c.2326T>G (p.Ser776Ala)

Gene: LONP1 (lon peptidase 1, mitochondrial; minus strand). Cytogenetic location: 19p13.3.
Variant type: single nucleotide variant.
Coding change: c.2326T>G on transcript NM_004793.4 (MANE Select); coding-DNA position 2326, T replaced by G.
Protein change: p.Ser776Ala; replaces serine 776 with alanine.
Molecular consequence: missense variant. On other transcripts: non-coding transcript variant (1).
Genome position (GRCh38, 1-based): chr19:5,693,764, A>C on the plus strand (T>G on the coding strand, the complement: LONP1 is on the minus strand). VCF-style: chr19-5693764-A-C. GRCh37 (hg19) VCF-style: chr19-5693775-A-C.
Other names: c.2134T>G, p.Ser712Ala (NM_001276479.2); c.1738T>G, p.Ser580Ala (NM_001276480.1); short protein forms S712A, S580A, S776A.
Identifiers: ClinVar variation 4098883 (VCV004098883.2).

ClinVar aggregate classification (germline): Uncertain significance. Review status: criteria provided, multiple submitters, no conflicts (2 of 4 stars). 2 submissions from 2 submitters: Uncertain significance (2). Last evaluated 2026-01-14.

Conditions:
Inborn genetic diseases. Identifiers: MedGen C0950123, MeSH D030342.

gnomAD v4.1: 4 of 1,613,178 alleles (0.00025%); highest among the groups gnomAD compares: Admixed American, 0.0017%; no homozygotes.

Submissions (2):

Labcorp Genetics (formerly Invitae), Labcorp
Classification: Uncertain significance. Last evaluated: 2026-01-14. Review status: criteria provided, single submitter. Criteria: Invitae Variant Classification Sherloc (09022015). Collection method: clinical testing. Allele origin: germline.
Comment: This sequence change replaces serine, which is neutral and polar, with alanine, which is neutral and non-polar, at codon 776 of the LONP1 protein (p.Ser776Ala). This variant is not present in population databases (gnomAD no frequency). This variant has not been reported in the literature in individuals affected with LONP1-related conditions. ClinVar contains an entry for this variant (Variation ID: 4098883). Invitae Evidence Modeling of protein sequence and biophysical properties (such as structural, functional, and spatial information, amino acid conservation, physicochemical variation, residue mobility, and thermodynamic stability) indicates that this missense variant is not expected to disrupt LONP1 protein function with a negative predictive value of 95%. In summary, the available evidence is currently insufficient to determine the role of this variant in disease. Therefore, it has been classified as a Variant of Uncertain Significance.

Ambry Genetics
Classification: Uncertain significance for Inborn genetic diseases. Last evaluated: 2025-08-15. Review status: criteria provided, single submitter. Criteria: Ambry Variant Classification Scheme 2023. Collection method: clinical testing. Allele origin: germline.